The following is an entry in ClinVar:

ClinVar aggregate classification (germline): Uncertain significance. Review status: criteria provided, multiple submitters, no conflicts (2 of 4 stars). 2 submissions from 2 submitters: Uncertain significance (2). Last evaluated 2026-02-01.

Conditions:
Hereditary spastic paraplegia 8 (SPG8). Also called: SPASTIC PARAPLEGIA 8, AUTOSOMAL DOMINANT. Identifiers: Orphanet 100989, MedGen C1863704, MONDO:0011339, OMIM 603563.
Ritscher-Schinzel syndrome. Also called: CRANIOCEREBELLOCARDIAC DYSPLASIA. Identifiers: Orphanet 7, MedGen C0796137, MONDO:0019078.

Allele frequency attached by ClinVar (database versions not stated): gnomAD exomes below 0.00001 and 0.00002; gnomAD 0.00001; TOPMed 0.00001.
gnomAD v4.1: 34 of 1,613,320 alleles (0.0021%); highest among the groups gnomAD compares: Non-Finnish European, 0.0026%; no homozygotes.

Submissions (2):

CeGaT Center for Human Genetics Tuebingen
Classification: Uncertain significance. Last evaluated: 2026-02-01. Review status: criteria provided, single submitter. Criteria: CeGaT Center For Human Genetics Tuebingen Variant Classification Criteria Version 2. Collection method: clinical testing. Allele origin: germline. Affected: yes. Observed: 1 variant allele.

Labcorp Genetics (formerly Invitae), Labcorp
Classification: Uncertain significance for Ritscher-Schinzel syndrome; Hereditary spastic paraplegia 8. Last evaluated: 2024-04-16. Review status: criteria provided, single submitter. Criteria: Invitae Variant Classification Sherloc (09022015). Collection method: clinical testing. Allele origin: germline.
Comment: This sequence change replaces glutamine, which is neutral and polar, with arginine, which is basic and polar, at codon 412 of the WASHC5 protein (p.Gln412Arg). This variant is present in population databases (no rsID available, gnomAD 0.0009%). This variant has not been reported in the literature in individuals affected with WASHC5-related conditions. ClinVar contains an entry for this variant (Variation ID: 1022084). Advanced modeling of protein sequence and biophysical properties (such as structural, functional, and spatial information, amino acid conservation, physicochemical variation, residue mobility, and thermodynamic stability) performed at Invitae indicates that this missense variant is not expected to disrupt WASHC5 protein function with a negative predictive value of 80%. In summary, the available evidence is currently insufficient to determine the role of this variant in disease. Therefore, it has been classified as a Variant of Uncertain Significance.

NM_014846.4(WASHC5):c.1235A>G (p.Gln412Arg)

Gene: WASHC5 (WASH complex subunit 5; minus strand). Cytogenetic location: 8q24.13.
Variant type: single nucleotide variant.
Coding change: c.1235A>G on transcript NM_014846.4 (MANE Select); coding-DNA position 1235, A replaced by G.
Protein change: p.Gln412Arg; replaces glutamine 412 with arginine.
Molecular consequence: missense variant.
Genome position (GRCh38, 1-based): chr8:125,067,635, T>C on the plus strand (A>G on the coding strand, the complement: WASHC5 is on the minus strand). VCF-style: chr8-125067635-T-C. GRCh37 (hg19) VCF-style: chr8-126079877-T-C.
Other names: c.791A>G, p.Gln264Arg (NM_001330609.2); short protein forms Q264R, Q412R.
Identifiers: ClinVar variation 1022084 (VCV001022084.12), dbSNP rs1328488239, ClinGen allele CA372193603.
Genomic context (GRCh38, chr8:125,067,635, plus strand): 5'-CATTCAAATATTTTTACCTCTTTGAGTATAAACTCAAATTGTGCAGTATCTAACAGCAGC[T>C]GGAAGAGGATCCTGGGATTGTACCGAGAGTCTGTTAGAATCTGGTCCTTGATTTGACGAA-3'
Protein context (NP_055661.3, residues 402-422): DSRYNPRILF[Gln412Arg]LLLDTAQFEF